The following is an entry in ClinVar:

NM_018062.4(FANCL):c.986G>A (p.Cys329Tyr)

Gene: FANCL (FA complementation group L; minus strand). Cytogenetic location: 2p16.1.
Variant type: single nucleotide variant.
Coding change: c.986G>A on transcript NM_018062.4 (MANE Select); coding-DNA position 986, G replaced by A.
Protein change: p.Cys329Tyr; replaces cysteine 329 with tyrosine.
Molecular consequence: missense variant. On other transcripts: non-coding transcript variant (2).
Genome position (GRCh38, 1-based): chr2:58,161,556, C>T on the plus strand (G>A on the coding strand, the complement: FANCL is on the minus strand). VCF-style: chr2-58161556-C-T. GRCh37 (hg19) VCF-style: chr2-58388691-C-T.
Other names: c.1001G>A, p.Cys334Tyr (NM_001114636.2, NM_001438890.1); c.1031G>A, p.Cys344Tyr (NM_001374615.1, NM_001438889.1); c.1046G>A, p.Cys349Tyr (NM_001410792.1); c.986G>A, p.Cys329Tyr (NM_001438891.1); c.542G>A, p.Cys181Tyr (NM_001438892.1); short protein forms C334Y, C349Y, C181Y, C329Y, C344Y.
Identifiers: ClinVar variation 4695653 (VCV004695653.1).
Genomic context (GRCh38, chr2:58,161,556, plus strand): 5'-GTCTTGACAATATTTTTATTTTTTACCTCATATAAGCATATTTGATGGAAAGGTTGTCCA[C>T]ACTGAGAATTATCACACACTTGATCAGGAATGGTACCGTCAAGTTGATAAGCATAACAAA-3'
Protein context (NP_060532.2, residues 319-339): IPDQVCDNSQ[Cys329Tyr]GQPFHQICLY

ClinVar aggregate classification (germline): Uncertain significance (1 of 4 stars; one submission).

Conditions:
Fanconi anemia (FA). Also called: Fanconi's anemia. Identifiers: Orphanet 84, MedGen C0015625, MeSH D005199, MONDO:0019391.

Submission:

Labcorp Genetics (formerly Invitae), Labcorp
Classification: Uncertain significance for Fanconi anemia. Last evaluated: 2025-05-27. Review status: criteria provided, single submitter. Criteria: Invitae Variant Classification Sherloc (09022015). Collection method: clinical testing. Allele origin: germline.
Comment: This sequence change replaces cysteine, which is neutral and slightly polar, with tyrosine, which is neutral and polar, at codon 329 of the FANCL protein (p.Cys329Tyr). This variant is not present in population databases (gnomAD no frequency). This variant has not been reported in the literature in individuals affected with FANCL-related conditions. Invitae Evidence Modeling of protein sequence and biophysical properties (such as structural, functional, and spatial information, amino acid conservation, physicochemical variation, residue mobility, and thermodynamic stability) indicates that this missense variant is expected to disrupt FANCL protein function with a positive predictive value of 80%. In summary, the available evidence is currently insufficient to determine the role of this variant in disease. Therefore, it has been classified as a Variant of Uncertain Significance.